The following is an entry in ClinVar:

ClinVar aggregate classification (germline): Uncertain significance. Review status: criteria provided, multiple submitters, no conflicts (2 of 4 stars). 3 submissions from 3 submitters: Uncertain significance (3). Last evaluated 2026-01-18.

Conditions:
Familial thoracic aortic aneurysm and aortic dissection (TAAD). Also called: Thoracic aortic aneurysms and dissections. Identifiers: Orphanet 91387, MedGen C4707243, MONDO:0019625.
Ehlers-Danlos syndrome, type 4 (EDSVASC). Also called: Ehlers-Danlos Syndrome Type IV; Ehlers-Danlos syndrome vascular type; Ehlers Danlos syndrome, ecchymotic type; Ehlers Danlos syndrome, arterial type; Ehlers Danlos syndrome, Sack-Barabas type. Identifiers: Orphanet 286, MedGen C0268338, MONDO:0017314, OMIM 130050.

Submissions (3):

Labcorp Genetics (formerly Invitae), Labcorp
Classification: Uncertain significance for Ehlers-Danlos syndrome, type 4. Last evaluated: 2026-01-18. Review status: criteria provided, single submitter. Criteria: Invitae Variant Classification Sherloc (09022015). Collection method: clinical testing. Allele origin: germline.
Comment: This sequence change replaces proline, which is neutral and non-polar, with leucine, which is neutral and non-polar, at codon 551 of the COL3A1 protein (p.Pro551Leu). This variant is not present in population databases (gnomAD no frequency). This variant has not been reported in the literature in individuals affected with COL3A1-related conditions. ClinVar contains an entry for this variant (Variation ID: 918561). Invitae Evidence Modeling of protein sequence and biophysical properties (such as structural, functional, and spatial information, amino acid conservation, physicochemical variation, residue mobility, and thermodynamic stability) indicates that this missense variant is not expected to disrupt COL3A1 protein function with a negative predictive value of 95%. In summary, the available evidence is currently insufficient to determine the role of this variant in disease. Therefore, it has been classified as a Variant of Uncertain Significance.

Color Diagnostics, LLC DBA Color Health
Classification: Uncertain significance for Familial thoracic aortic aneurysm and aortic dissection. Last evaluated: 2023-12-05. Review status: criteria provided, single submitter. Criteria: ACMG Guidelines, 2015. Collection method: clinical testing. Allele origin: germline.
Comment: This missense variant replaces proline with leucine at codon 551 of the COL3A1 protein. Computational prediction tools and conservation analyses suggest that this variant may have deleterious impact on the protein function. Computational splicing tools suggest that this variant may not impact RNA splicing. To our knowledge, functional assays have not been performed for this variant nor has this variant been reported in individuals affected with cardiovascular disorders in the literature. This variant has not been identified in the general population by the Genome Aggregation Database (gnomAD). Available evidence is insufficient to determine the role of this variant in disease conclusively. Therefore, this variant is classified as a Variant of Uncertain Significance.

GeneDx
Classification: Uncertain significance. Last evaluated: 2020-07-15. Review status: criteria provided, single submitter. Criteria: GeneDx Variant Classification Process June 2021. Collection method: clinical testing. Allele origin: germline. Affected: yes.
Comment: Has not been previously published as pathogenic or benign to our knowledge; Not observed in large population cohorts (Lek et al., 2016); In silico analysis supports that this missense variant has a deleterious effect on protein structure/function; Occurs in the triple helical domain at the Y position in the canonical Gly-X-Y repeat; although this variant may have an effect on normal protein folding and function, missense substitution at the Y position is not a common mechanism of disease (Stenson et al., 2014); Reported in ClinVar as a variant of uncertain significance (ClinVar Variant ID# 918561; Landrum et al., 2016)

NM_000090.4(COL3A1):c.1652C>T (p.Pro551Leu)

Gene: COL3A1 (collagen type III alpha 1 chain; plus strand). Cytogenetic location: 2q32.2.
Variant type: single nucleotide variant.
Coding change: c.1652C>T on transcript NM_000090.4 (MANE Select); coding-DNA position 1652, C replaced by T.
Protein change: p.Pro551Leu; replaces proline 551 with leucine.
Molecular consequence: missense variant.
Genome position (GRCh38, 1-based): chr2:188,996,168, C>T. VCF-style: chr2-188996168-C-T. GRCh37 (hg19) VCF-style: chr2-189860894-C-T.
Other names: short protein forms P551L.
Identifiers: ClinVar variation 918561 (VCV000918561.8), dbSNP rs868705044, ClinGen allele CA62597376.
Genomic context (GRCh38, chr2:188,996,168, plus strand): 5'-TGACTTCTTTACTTCAGGGCATGCCCGGAAGTCCAGGAGGACCAGGAAGTGATGGGAAAC[C>T]AGGGCCTCCCGTATGTACATTTTTAAAATCTCATTTTAAAAGGCCAGTTAAAATGGAATG-3'
Protein context (NP_000081.2, residues 541-561): SPGGPGSDGK[Pro551Leu]GPPGSQGESG